The following is an entry in ClinVar:

ClinVar aggregate classification (germline): Likely pathogenic (1 of 4 stars; one submission).

gnomAD v4.1: 1 of 1,614,078 alleles (0.000062%); highest among the groups gnomAD compares: Non-Finnish European, 0.000085%; no homozygotes.

Submission:

GeneDx
Classification: Likely pathogenic. Last evaluated: 2023-09-19. Review status: criteria provided, single submitter. Criteria: GeneDx Variant Classification Process June 2021. Collection method: clinical testing. Allele origin: germline. Affected: yes.
Comment: Not observed at significant frequency in large population cohorts (gnomAD); In silico analysis supports that this missense variant has a deleterious effect on protein structure/function; This variant is associated with the following publications: (PMID: 30030131)

NM_001386298.1(CIC):c.3433G>A (p.Glu1145Lys)

Gene: CIC (capicua transcriptional repressor; plus strand). Cytogenetic location: 19q13.2.
Variant type: single nucleotide variant.
Coding change: c.3433G>A on transcript NM_001386298.1 (MANE Select); coding-DNA position 3433, G replaced by A.
Protein change: p.Glu1145Lys; replaces glutamic acid 1145 with lysine.
Molecular consequence: missense variant.
Genome position (GRCh38, 1-based): chr19:42,287,668, G>A. VCF-style: chr19-42287668-G-A. GRCh37 (hg19) VCF-style: chr19-42791820-G-A.
Other names: c.3433G>A, p.Glu1145Lys (NM_001304815.2, NM_001379480.1, NM_001379482.1); c.706G>A, p.Glu236Lys (NM_001379484.1, NM_001379485.1, NM_015125.5); short protein forms E1145K, E236K.
Identifiers: ClinVar variation 3342615 (VCV003342615.1).